The following is an entry in ClinVar:

ClinVar aggregate classification (germline): Uncertain significance (1 of 4 stars; one submission).

Conditions:
Tuberous sclerosis 1 (TSC1). Identifiers: Orphanet 805, MedGen C1854465, MONDO:0008612, OMIM 191100.

Submission:

Labcorp Genetics (formerly Invitae), Labcorp
Classification: Uncertain significance for Tuberous sclerosis 1. Last evaluated: 2020-04-27. Review status: criteria provided, single submitter. Criteria: Invitae Variant Classification Sherloc (09022015). Collection method: clinical testing. Allele origin: germline.
Comment: In summary, the available evidence is currently insufficient to determine the role of this variant in disease. Therefore, it has been classified as a Variant of Uncertain Significance. Algorithms developed to predict the effect of missense changes on protein structure and function output the following: SIFT: "Tolerated"; PolyPhen-2: "Benign"; Align-GVGD: "Class C0". The methionine amino acid residue is found in multiple mammalian species, suggesting that this missense change does not adversely affect protein function. These predictions have not been confirmed by published functional studies and their clinical significance is uncertain. This variant has not been reported in the literature in individuals with TSC1-related conditions. This variant is not present in population databases (ExAC no frequency). This sequence change replaces valine with methionine at codon 1127 of the TSC1 protein (p.Val1127Met). The valine residue is weakly conserved and there is a small physicochemical difference between valine and methionine.

NM_000368.5(TSC1):c.3379G>A (p.Val1127Met)

Gene: TSC1 (TSC complex subunit 1; minus strand). Cytogenetic location: 9q34.13.
Variant type: single nucleotide variant.
Coding change: c.3379G>A on transcript NM_000368.5 (MANE Select); coding-DNA position 3379, G replaced by A.
Protein change: p.Val1127Met; replaces valine 1127 with methionine.
Molecular consequence: missense variant.
Genome position (GRCh38, 1-based): chr9:132,896,351, C>T on the plus strand (G>A on the coding strand, the complement: TSC1 is on the minus strand). VCF-style: chr9-132896351-C-T. GRCh37 (hg19) VCF-style: chr9-135771738-C-T.
Other names: c.3376G>A, p.Val1126Met (NM_001162426.2); c.3226G>A, p.Val1076Met (NM_001162427.2); c.3016G>A, p.Val1006Met (NM_001362177.2); short protein forms V1076M, V1006M, V1127M, V1126M.
Identifiers: ClinVar variation 1034672 (VCV001034672.8), dbSNP rs1845037495, ClinGen allele CA375366495.